The following is an entry in ClinVar:

NM_000540.3(RYR1):c.1263C>A (p.Ser421Arg)

Gene: RYR1 (ryanodine receptor 1; plus strand). Cytogenetic location: 19q13.2.
Variant type: single nucleotide variant.
Coding change: c.1263C>A on transcript NM_000540.3 (MANE Select); coding-DNA position 1263, C replaced by A.
Protein change: p.Ser421Arg; replaces serine 421 with arginine.
Molecular consequence: missense variant.
Genome position (GRCh38, 1-based): chr19:38,452,837, C>A. VCF-style: chr19-38452837-C-A. GRCh37 (hg19) VCF-style: chr19-38943477-C-A.
Other names: c.1263C>A, p.Ser421Arg (NM_001042723.2); short protein forms S421R.
Identifiers: ClinVar variation 2435514 (VCV002435514.7), dbSNP rs751745179, ClinGen allele CA059289.

ClinVar aggregate classification (germline): Uncertain significance. Review status: criteria provided, multiple submitters, no conflicts (2 of 4 stars). 3 submissions from 3 submitters: Uncertain significance (3). Last evaluated 2024-06-17.

Conditions:
Malignant hyperthermia, susceptibility to, 1 (MHS1). Also called: Anesthesia related hyperthermia; Malignant hyperpyrexia; Fulminating hyperpyrexia; Pharmacogenic myopathy; Malignant hyperthermia suceptibility 1; RYR1-Related Malignant Hyperthermia Susceptibility. Identifiers: Orphanet 423, MedGen C2930980, MONDO:0007783, OMIM 145600.

Allele frequency attached by ClinVar (database versions not stated): ExAC 0.00020.
gnomAD v4.1: 19 of 1,597,708 alleles (0.0012%); highest among the groups gnomAD compares: Non-Finnish European, 0.0016%; no homozygotes.

Submissions (3):

All of Us Research Program, National Institutes of Health
Classification: Uncertain significance for Malignant hyperthermia, susceptibility to, 1. Last evaluated: 2024-06-17. Review status: criteria provided, single submitter. Criteria: ACMG Guidelines, 2015. Collection method: clinical testing. Allele origin: germline. Inheritance: Autosomal dominant inheritance. Observed: 4 variant alleles, 4 heterozygotes.
Comment: This missense variant replaces serine with arginine at codon 421 of the RYR1 protein. Computational prediction is inconclusive regarding the impact of this variant on protein structure and function (internally defined REVEL score threshold 0.5 < inconclusive < 0.7, PMID: 27666373). To our knowledge, functional studies have not been reported for this variant. This variant has not been reported in individuals affected with RYR1-related disorders in the literature. This variant has been identified in 8/216042 chromosomes in the general population by the Genome Aggregation Database (gnomAD). The available evidence is insufficient to determine the role of this variant in disease conclusively. Therefore, this variant is classified as a Variant of Uncertain Significance.

This study involves interpretation of variants in research participants for the purpose of population health screening. Participant phenotype was not available at the time of variant classification. Additional details can be found in publication PMID: 35346344, PMCID: PMC8962531

Color Diagnostics, LLC DBA Color Health
Classification: Uncertain significance for Malignant hyperthermia, susceptibility to, 1. Last evaluated: 2024-03-07. Review status: criteria provided, single submitter. Criteria: ACMG Guidelines, 2015. Collection method: clinical testing. Allele origin: germline.
Comment: This missense variant replaces serine with arginine at codon 421 of the RYR1 protein. Computational prediction is inconclusive regarding the impact of this variant on protein structure and function (internally defined REVEL score threshold 0.5 < inconclusive < 0.7, PMID: 27666373). To our knowledge, functional studies have not been reported for this variant. This variant has not been reported in individuals affected with RYR1-related disorders in the literature. This variant has been identified in 8/216042 chromosomes in the general population by the Genome Aggregation Database (gnomAD). The available evidence is insufficient to determine the role of this variant in disease conclusively. Therefore, this variant is classified as a Variant of Uncertain Significance.

Revvity Omics, Revvity
Classification: Uncertain significance. Last evaluated: 2021-11-27. Review status: criteria provided, single submitter. Criteria: ACMG Guidelines, 2015. Collection method: clinical testing. Allele origin: germline.